The following is an entry in ClinVar:

ClinVar aggregate classification (germline): Uncertain significance (1 of 4 stars; one submission).

Conditions:
Inborn genetic diseases. Identifiers: MedGen C0950123, MeSH D030342.

Submission:

Ambry Genetics
Classification: Uncertain significance for Inborn genetic diseases. Last evaluated: 2024-11-17. Review status: criteria provided, single submitter. Criteria: Ambry Variant Classification Scheme 2023. Collection method: clinical testing. Allele origin: germline.
Comment: The p.I747M variant (also known as c.2241T>G), located in coding exon 19 of the KDM1A gene, results from a T to G substitution at nucleotide position 2241. The isoleucine at codon 747 is replaced by methionine, an amino acid with highly similar properties. This amino acid position is conserved. In addition, this alteration is predicted to be deleterious by in silico analysis. Based on the available evidence, the clinical significance of this variant remains unclear.

NM_001009999.3(KDM1A):c.2241T>G (p.Ile747Met)

Gene: KDM1A (lysine demethylase 1A; plus strand). Cytogenetic location: 1p36.12.
Variant type: single nucleotide variant.
Coding change: c.2241T>G on transcript NM_001009999.3 (MANE Select); coding-DNA position 2241, T replaced by G.
Protein change: p.Ile747Met; replaces isoleucine 747 with methionine.
Molecular consequence: missense variant.
Genome position (GRCh38, 1-based): chr1:23,081,516, T>G. VCF-style: chr1-23081516-T-G. GRCh37 (hg19) VCF-style: chr1-23408009-T-G.
Other names: c.2187T>G, p.Ile729Met (NM_001363654.2); c.2247T>G, p.Ile749Met (NM_001410762.1); c.2169T>G, p.Ile723Met (NM_001410763.1, NM_015013.4); short protein forms I723M, I729M, I747M, I749M.
Identifiers: ClinVar variation 3532905 (VCV003532905.1).
Genomic context (GRCh38, chr1:23,081,516, plus strand): 5'-GTTGGCACTAGTGGCAGGAGAAGCTGCTGGTATCATGGAAAACATAAGTGACGATGTGAT[T>G]GTTGGCCGATGCCTGGCCATTCTCAAAGGGATTTTTGGTAGCAGTGCAGTACCTCAGGTA-3'
Protein context (NP_001009999.1, residues 737-757): GIMENISDDV[Ile747Met]VGRCLAILKG